The following is an entry in ClinVar:

ClinVar aggregate classification (germline): Likely benign. Review status: criteria provided, single submitter (1 of 4 stars). 2 submissions from 2 submitters: Likely benign (1). 1 of the submissions does not count toward it. Last evaluated 2026-01-11.

Conditions:
COL4A4-related disorder.

Allele frequency attached by ClinVar (database versions not stated): gnomAD exomes 0.00004 and 0.00020; ExAC 0.00005; gnomAD 0.00008; ESP Exome Variant Server 0.00025; TOPMed 0.00010.
gnomAD v4.1: 299 of 1,613,988 alleles (0.019%); highest among the groups gnomAD compares: Non-Finnish European, 0.024%; no homozygotes.

Submissions (2):

Labcorp Genetics (formerly Invitae), Labcorp
Classification: Likely benign. Last evaluated: 2026-01-11. Review status: criteria provided, single submitter. Criteria: Invitae Variant Classification Sherloc (09022015). Collection method: clinical testing. Allele origin: germline.

PreventionGenetics, part of Exact Sciences
Classification: Likely benign for COL4A4-related condition. Last evaluated: 2024-05-23. Review status: no assertion criteria provided. Collection method: clinical testing. Allele origin: germline. Not counted in ClinVar's aggregate classification.
Comment: This variant is classified as likely benign based on ACMG/AMP sequence variant interpretation guidelines (Richards et al. 2015 PMID: 25741868, with internal and published modifications).

NM_000092.5(COL4A4):c.3732A>C (p.Ala1244=)

Gene: COL4A4 (collagen type IV alpha 4 chain; minus strand). Cytogenetic location: 2q36.3.
Variant type: single nucleotide variant.
Coding change: c.3732A>C on transcript NM_000092.5 (MANE Select); coding-DNA position 3732, A replaced by C.
Protein change: p.Ala1244=; no amino-acid change (alanine 1244 retained).
Molecular consequence: synonymous variant.
Genome position (GRCh38, 1-based): chr2:227,032,030, T>G on the plus strand (A>C on the coding strand, the complement: COL4A4 is on the minus strand). VCF-style: chr2-227032030-T-G. GRCh37 (hg19) VCF-style: chr2-227896746-T-G.
Other names: c.3732A>C (NM_000092.4).
Identifiers: ClinVar variation 1110573 (VCV001110573.10), dbSNP rs368070110, ClinGen allele CA2144430.